The following is an entry in ClinVar:

NM_000441.2(SLC26A4):c.335C>T (p.Pro112Leu)

Gene: SLC26A4 (solute carrier family 26 member 4; plus strand). Cytogenetic location: 7q22.3.
Variant type: single nucleotide variant.
Coding change: c.335C>T on transcript NM_000441.2 (MANE Select); coding-DNA position 335, C replaced by T.
Protein change: p.Pro112Leu; replaces proline 112 with leucine.
Molecular consequence: missense variant.
Genome position (GRCh38, 1-based): chr7:107,672,168, C>T. VCF-style: chr7-107672168-C-T. GRCh37 (hg19) VCF-style: chr7-107312613-C-T.
Other names: c.335C>T (NM_000441.1); short protein forms P112L.
Identifiers: ClinVar variation 1509517 (VCV001509517.8), dbSNP rs2129311240, ClinGen allele CA368846995.

ClinVar aggregate classification (germline): Likely pathogenic. Review status: criteria provided, multiple submitters, no conflicts (2 of 4 stars). 3 submissions from 3 submitters: Likely pathogenic (2). 1 of the submissions does not count toward it. Last evaluated 2023-09-27.

Conditions:
Pendred syndrome (PDS). Also called: Pendred's syndrome; DEAFNESS WITH GOITER; GOITER-DEAFNESS SYNDROME; Pendred Syndrome (PDS); HYPOTHYROIDISM, CONGENITAL, DUE TO DYSHORMONOGENESIS, 2B; THYROID DYSHORMONOGENESIS 2B. Identifiers: Orphanet 705, MedGen C0271829, MONDO:0010134, OMIM 274600.
SLC26A4-related disorder. Also called: SLC26A4-related disorders; SLC26A4-related condition.

Allele frequency attached by ClinVar (database versions not stated): gnomAD exomes below 0.00001.
gnomAD v4.1: 2 of 1,613,018 alleles (0.00012%); highest among the groups gnomAD compares: Non-Finnish European, 0.00017%; no homozygotes.

Submissions (3):

Labcorp Genetics (formerly Invitae), Labcorp
Classification: Likely pathogenic. Last evaluated: 2023-09-27. Review status: criteria provided, single submitter. Criteria: Invitae Variant Classification Sherloc (09022015). Collection method: clinical testing. Allele origin: germline.
Comment: This variant is not present in population databases (gnomAD no frequency). In summary, the currently available evidence indicates that the variant is pathogenic, but additional data are needed to prove that conclusively. Therefore, this variant has been classified as Likely Pathogenic. This variant disrupts the p.Pro112 amino acid residue in SLC26A4. Other variant(s) that disrupt this residue have been determined to be pathogenic (PMID: 17718863, 25372295, 26969326). This suggests that this residue is clinically significant, and that variants that disrupt this residue are likely to be disease-causing. Advanced modeling of protein sequence and biophysical properties (such as structural, functional, and spatial information, amino acid conservation, physicochemical variation, residue mobility, and thermodynamic stability) performed at Invitae indicates that this missense variant is expected to disrupt SLC26A4 protein function. ClinVar contains an entry for this variant (Variation ID: 1509517). This variant has not been reported in the literature in individuals affected with SLC26A4-related conditions. This sequence change replaces proline, which is neutral and non-polar, with leucine, which is neutral and non-polar, at codon 112 of the SLC26A4 protein (p.Pro112Leu).

Blueprint Genetics
Classification: Likely pathogenic for SLC26A4-related disorders. Last evaluated: 2023-04-12. Review status: criteria provided, single submitter. Criteria: ACMG Guidelines, 2015. Collection method: clinical testing. Allele origin: germline. Affected: yes. Observed: 1 variant allele.

Natera, Inc.
Classification: Uncertain significance for Pendred syndrome. Last evaluated: 2025-01-22. Review status: no assertion criteria provided. Collection method: clinical testing. Allele origin: germline. Not counted in ClinVar's aggregate classification.

Literature cited by the submitters: PubMed 17718863 (cited by Labcorp Genetics (formerly Invitae), Labcorp); PubMed 25372295 (cited by Labcorp Genetics (formerly Invitae), Labcorp); PubMed 26969326 (cited by Labcorp Genetics (formerly Invitae), Labcorp).